The following is an entry in ClinVar:

ClinVar aggregate classification (germline): Uncertain significance (1 of 4 stars; one submission).

Submission:

GeneDx
Classification: Uncertain significance. Last evaluated: 2024-05-16. Review status: criteria provided, single submitter. Criteria: GeneDx Variant Classification Process June 2021. Collection method: clinical testing. Allele origin: germline. Affected: yes.
Comment: Not observed at significant frequency in large population cohorts (gnomAD); In silico analysis supports that this missense variant has a deleterious effect on protein structure/function; Has not been previously published as pathogenic or benign to our knowledge

NM_001270.4(CHD1):c.1899T>A (p.Phe633Leu)

Gene: CHD1 (chromodomain helicase DNA binding protein 1; minus strand). Cytogenetic location: 5q15.
Variant type: single nucleotide variant.
Coding change: c.1899T>A on transcript NM_001270.4 (MANE Select); coding-DNA position 1899, T replaced by A.
Protein change: p.Phe633Leu; replaces phenylalanine 633 with leucine.
Molecular consequence: missense variant. On other transcripts: non-coding transcript variant (2).
Genome position (GRCh38, 1-based): chr5:98,893,508, A>T on the plus strand (T>A on the coding strand, the complement: CHD1 is on the minus strand). VCF-style: chr5-98893508-A-T. GRCh37 (hg19) VCF-style: chr5-98229212-A-T.
Other names: c.1899T>A, p.Phe633Leu (NM_001364113.3, NM_001376194.2); short protein forms F633L.
Identifiers: ClinVar variation 3381511 (VCV003381511.1).
Genomic context (GRCh38, chr5:98,893,508, plus strand): 5'-GAGCTCTTTGAGGGAATTCTGTAGAGGAGTTCCAGTGATAAGGAGACGATGATTGGATTT[A>T]AAATCTATTAAAGTTTTATACAGAAGGGAGTCATCATTCTTTAATCGGTGTGCTTCATCA-3'
Protein context (NP_001261.2, residues 623-643): DSLLYKTLID[Phe633Leu]KSNHRLLITG